The following is an entry in ClinVar:

NM_000218.3(KCNQ1):c.1841A>T (p.His614Leu)

Genes: KCNQ1 (potassium voltage-gated channel subfamily Q member 1; plus strand), KCNQ1-AS1 (KCNQ1 antisense RNA 1; minus strand). Cytogenetic location: 11p15.4.
Variant type: single nucleotide variant.
Coding change: c.1841A>T on transcript NM_000218.3 (MANE Select); coding-DNA position 1841, A replaced by T.
Protein change: p.His614Leu; replaces histidine 614 with leucine.
Molecular consequence: missense variant.
Genome position (GRCh38, 1-based): chr11:2,847,813, A>T. VCF-style: chr11-2847813-A-T. GRCh37 (hg19) VCF-style: chr11-2869043-A-T.
Other names: c.1745A>T, p.His582Leu (NM_001406836.1); c.1571A>T, p.His524Leu (NM_001406837.1); c.1301A>T, p.His434Leu (NM_001406838.1); c.353A>T, p.His118Leu (NM_001406839.1); c.1460A>T, p.His487Leu (NM_181798.2); short protein forms H118L, H487L, H524L, H582L, H434L, H614L.
Identifiers: ClinVar variation 1781167 (VCV001781167.2), dbSNP rs2494325915, ClinGen allele CA379140270.

ClinVar aggregate classification (germline): Uncertain significance (1 of 4 stars; one submission).

Conditions:
Cardiovascular phenotype. Identifiers: MedGen CN230736.

Submission:

Ambry Genetics
Classification: Uncertain significance for Cardiovascular phenotype. Last evaluated: 2020-06-08. Review status: criteria provided, single submitter. Criteria: Ambry Variant Classification Scheme 2023. Collection method: clinical testing. Allele origin: germline.
Comment: The p.H614L variant (also known as c.1841A>T), located in coding exon 16 of the KCNQ1 gene, results from an A to T substitution at nucleotide position 1841. The histidine at codon 614 is replaced by leucine, an amino acid with similar properties, and is located in the cytoplasmic subunits assembly domain. This amino acid position is well conserved in available vertebrate species. In addition, this alteration is predicted to be deleterious by in silico analysis. Since supporting evidence is limited at this time, the clinical significance of this alteration remains unclear.